The following is an entry in ClinVar:

NM_005982.4(SIX1):c.*443A>G

Gene: SIX1 (SIX homeobox 1; minus strand). Cytogenetic location: 14q23.1.
Variant type: single nucleotide variant.
Coding change: c.*443A>G on transcript NM_005982.4 (MANE Select); 443 bases downstream of the stop codon, A replaced by G.
Molecular consequence: 3 prime UTR variant.
Genome position (GRCh38, 1-based): chr14:60,645,840, T>C on the plus strand (A>G on the coding strand, the complement: SIX1 is on the minus strand). VCF-style: chr14-60645840-T-C. GRCh37 (hg19) VCF-style: chr14-61112558-T-C.
Identifiers: ClinVar variation 313456 (VCV000313456.5), dbSNP rs186530769, ClinGen allele CA10645528.

ClinVar aggregate classification (germline): Benign/Likely benign. Review status: criteria provided, single submitter (1 of 4 stars). 2 submissions from 1 submitter: Benign (1); Likely benign (1). Last evaluated 2018-01-13.

Conditions:
Branchiootic syndrome 3 (BOS3). Also called: BO SYNDROME 3. Identifiers: MedGen C1842124, MONDO:0012025, OMIM 608389.
Autosomal dominant nonsyndromic hearing loss 23. Identifiers: Orphanet 90635, MedGen C1854594, MONDO:0011519, OMIM 605192.

Allele frequency attached by ClinVar (database versions not stated): gnomAD 0.00053 and 0.00055; 1000 Genomes Project 0.00060; TOPMed 0.00070; 1000 Genomes Project 30x 0.00078.

Submissions (2):

Illumina Laboratory Services, Illumina
Classification: Likely benign for Autosomal dominant nonsyndromic hearing loss 23. Last evaluated: 2018-01-13. Review status: criteria provided, single submitter. Criteria: ICSL Variant Classification Criteria 13 December 2019. Collection method: clinical testing. Allele origin: germline.
Comment: This variant was observed in the ICSL laboratory as part of a predisposition screen in an ostensibly healthy population. It had not been previously curated by ICSL or reported in the Human Gene Mutation Database (HGMD: prior to June 1st, 2018), and was therefore a candidate for classification through an automated scoring system. Utilizing variant allele frequency, disease prevalence and penetrance estimates, and inheritance mode, an automated score was calculated to assess if this variant is too frequent to cause the disease. Based on the score and internal cut-off values, a variant classified as likely benign is not then subjected to further curation. The score for this variant resulted in a classification of likely benign for this disease.

Illumina Laboratory Services, Illumina
Classification: Benign for Branchiootic syndrome 3. Last evaluated: 2018-01-13. Review status: criteria provided, single submitter. Criteria: ICSL Variant Classification Criteria 13 December 2019. Collection method: clinical testing. Allele origin: germline.
Comment: This variant was observed in the ICSL laboratory as part of a predisposition screen in an ostensibly healthy population. It had not been previously curated by ICSL or reported in the Human Gene Mutation Database (HGMD: prior to June 1st, 2018), and was therefore a candidate for classification through an automated scoring system. Utilizing variant allele frequency, disease prevalence and penetrance estimates, and inheritance mode, an automated score was calculated to assess if this variant is too frequent to cause the disease. Based on the score and internal cut-off values, a variant classified as benign is not then subjected to further curation. The score for this variant resulted in a classification of benign for this disease.